The following is an entry in ClinVar:

ClinVar aggregate classification (germline): Likely benign (0 of 4 stars; one submission).

Conditions:
BRWD1-related disorder. Also called: BRWD1-related condition.

Allele frequency attached by ClinVar (database versions not stated): ExAC 0.00004; ESP Exome Variant Server 0.00008; gnomAD 0.00013; gnomAD exomes 0.00018.
gnomAD v4.1: 271 of 1,542,778 alleles (0.018%); highest among the groups gnomAD compares: Middle Eastern, 0.048%; no homozygotes.

Submission:

PreventionGenetics, part of Exact Sciences
Classification: Likely benign for BRWD1-related condition. Last evaluated: 2019-04-08. Review status: no assertion criteria provided. Collection method: clinical testing. Allele origin: germline.
Comment: This variant is classified as likely benign based on ACMG/AMP sequence variant interpretation guidelines (Richards et al. 2015 PMID: 25741868, with internal and published modifications).

NM_033656.4(BRWD1):c.159C>T (p.Asp53=)

Genes: BRWD1 (bromodomain and WD repeat domain containing 1; minus strand), LOC130066680 (ATAC-STARR-seq lymphoblastoid silent region 13322; plus strand). Cytogenetic location: 21q22.2.
Variant type: single nucleotide variant.
Coding change: c.159C>T on transcript NM_033656.4 (MANE Select); coding-DNA position 159, C replaced by T.
Protein change: p.Asp53=; no amino-acid change (aspartic acid 53 retained).
Molecular consequence: synonymous variant.
Genome position (GRCh38, 1-based): chr21:39,312,880, G>A on the plus strand (C>T on the coding strand, the complement: BRWD1 is on the minus strand). VCF-style: chr21-39312880-G-A. GRCh37 (hg19) VCF-style: chr21-40684806-G-A.
Other names: c.159C>T, p.Asp53= (NM_001007246.3, NM_018963.5).
Identifiers: ClinVar variation 3042769 (VCV003042769.2), dbSNP rs138436182, ClinGen allele CA10027828.